The following is an entry in ClinVar:

NM_025114.4(CEP290):c.-38G>C

Gene: CEP290 (centrosomal protein 290; minus strand). Cytogenetic location: 12q21.32.
Variant type: single nucleotide variant.
Coding change: c.-38G>C on transcript NM_025114.4 (MANE Select); 38 bases upstream of the start codon, G replaced by C.
Molecular consequence: 5 prime UTR variant.
Genome position (GRCh38, 1-based): chr12:88,141,910, C>G on the plus strand (G>C on the coding strand, the complement: CEP290 is on the minus strand). VCF-style: chr12-88141910-C-G. GRCh37 (hg19) VCF-style: chr12-88535687-C-G.
Identifiers: ClinVar variation 310635 (VCV000310635.7), dbSNP rs886049886, ClinGen allele CA10643431.

ClinVar aggregate classification (germline): Uncertain significance. Review status: criteria provided, single submitter (1 of 4 stars). 6 submissions from 2 submitters: Uncertain significance (5). 1 of the submissions does not count toward it. Last evaluated 2018-01-12.

Conditions:
CEP290-related disorder. Also called: CEP290-related disorders; CEP290-related condition. Identifiers: MedGen CN239314.
Senior-Loken syndrome 6 (SLSN6). Identifiers: Orphanet 3156, MedGen C1857779, MONDO:0012433, OMIM 610189.
Joubert syndrome 5 (JBTS5). Identifiers: Orphanet 2318, MedGen C1857780, MONDO:0012432, OMIM 610188.
Meckel syndrome, type 4 (MKS4). Also called: MECKEL-GRUBER SYNDROME, TYPE 4. Identifiers: Orphanet 564, MedGen C1970161, MONDO:0012626, OMIM 611134.
Bardet-Biedl syndrome 14 (BBS14). Identifiers: Orphanet 110, MedGen C2673874, MONDO:0014442, OMIM 615991.
Leber congenital amaurosis 10 (LCA10). Identifiers: Orphanet 65, MedGen C1857821, MONDO:0012723, OMIM 611755.

Allele frequency attached by ClinVar (database versions not stated): gnomAD 0.00001; TOPMed 0.00001.
gnomAD v4.1: 1 of 152,542 alleles (0.00066%); highest among the groups gnomAD compares: Admixed American, 0.0065%; no homozygotes.

Submissions (6):

Illumina Laboratory Services, Illumina
Classification: Uncertain significance for Bardet-Biedl syndrome 14. Last evaluated: 2018-01-12. Review status: criteria provided, single submitter. Criteria: ICSL Variant Classification Criteria 13 December 2019. Collection method: clinical testing. Allele origin: germline.

Illumina Laboratory Services, Illumina
Classification: Uncertain significance for Leber congenital amaurosis 10. Last evaluated: 2018-01-12. Review status: criteria provided, single submitter. Criteria: ICSL Variant Classification Criteria 13 December 2019. Collection method: clinical testing. Allele origin: germline.

Illumina Laboratory Services, Illumina
Classification: Uncertain significance for Meckel syndrome, type 4. Last evaluated: 2018-01-12. Review status: criteria provided, single submitter. Criteria: ICSL Variant Classification Criteria 13 December 2019. Collection method: clinical testing. Allele origin: germline.

Illumina Laboratory Services, Illumina
Classification: Uncertain significance for Joubert syndrome 5. Last evaluated: 2018-01-12. Review status: criteria provided, single submitter. Criteria: ICSL Variant Classification Criteria 13 December 2019. Collection method: clinical testing. Allele origin: germline.

Illumina Laboratory Services, Illumina
Classification: Uncertain significance for Senior-Loken syndrome 6. Last evaluated: 2018-01-12. Review status: criteria provided, single submitter. Criteria: ICSL Variant Classification Criteria 13 December 2019. Collection method: clinical testing. Allele origin: germline.

PreventionGenetics, part of Exact Sciences
Classification: Likely benign for CEP290-related condition. Last evaluated: 2021-10-14. Review status: no assertion criteria provided. Collection method: clinical testing. Allele origin: germline. Not counted in ClinVar's aggregate classification.
Comment: This variant is classified as likely benign based on ACMG/AMP sequence variant interpretation guidelines (Richards et al. 2015 PMID: 25741868, with internal and published modifications).